The following is an entry in ClinVar:

NM_001348716.2(KDM6B):c.4215A>G (p.Pro1405=)

Genes: KDM6B (lysine demethylase 6B; plus strand), LOC121587574 (Sharpr-MPRA regulatory region 3930; plus strand). Cytogenetic location: 17p13.1.
Variant type: single nucleotide variant.
Coding change: c.4215A>G on transcript NM_001348716.2 (MANE Select); coding-DNA position 4215, A replaced by G.
Protein change: p.Pro1405=; no amino-acid change (proline 1405 retained).
Molecular consequence: synonymous variant.
Genome position (GRCh38, 1-based): chr17:7,852,000, A>G. VCF-style: chr17-7852000-A-G. GRCh37 (hg19) VCF-style: chr17-7755318-A-G.
Other names: c.4215A>G, p.Pro1405= (NM_001080424.2).
Identifiers: ClinVar variation 2647414 (VCV002647414.24), dbSNP rs758992049, ClinGen allele CA8361411.

ClinVar aggregate classification (germline): Likely benign (1 of 4 stars; one submission).

gnomAD v4.1: 11 of 1,613,998 alleles (0.00068%); highest among the groups gnomAD compares: African/African-American, 0.015%; no homozygotes.

Submission:

CeGaT Center for Human Genetics Tuebingen
Classification: Likely benign. Last evaluated: 2022-04-01. Review status: criteria provided, single submitter. Criteria: CeGaT Center For Human Genetics Tuebingen Variant Classification Criteria Version 2. Collection method: clinical testing. Allele origin: germline. Affected: yes. Observed: 1 variant allele.
Comment: KDM6B: BP4, BP7